The following is an entry in ClinVar:

NM_014168.4(METTL5):c.344_345del (p.Arg115fs)

Gene: METTL5 (methyltransferase 5, N6-adenosine; minus strand). Cytogenetic location: 2q31.1.
Variant type: Deletion.
Coding change: c.344_345del on transcript NM_014168.4 (MANE Select); coding-DNA positions 344 to 345, 2 bases deleted (GA; older notation c.344_345delGA).
Protein change: p.Arg115fs; shifts the reading frame from arginine 115.
Molecular consequence: frameshift variant.
Genome position (GRCh38, 1-based): chr2:169,821,153-169,821,154, TC deleted on the plus strand (GA on the coding strand, the reverse complement: METTL5 is on the minus strand); deleting any 2 consecutive bases within chr2:169,821,153-169,821,155 gives the same sequence; the c. name uses the placement nearest the transcript's 3' end. VCF-style (leftmost placement, unchanged base first): chr2-169821152-TTC-T. GRCh37 (hg19) VCF-style: chr2-170677662-TTC-T.
Other names: c.344_345del, p.Arg115fs (NM_001293186.2, NM_001293187.2); short protein forms R115fs.
Identifiers: ClinVar variation 689379 (VCV000689379.3), dbSNP rs1573972562, ClinGen allele CA915942134.

ClinVar aggregate classification (germline): Pathogenic. Review status: criteria provided, multiple submitters, no conflicts (2 of 4 stars). 3 submissions from 3 submitters: Pathogenic (2). 1 of the submissions does not count toward it. Last evaluated 2023-05-20.

Conditions:
Severe intellectual disability. Identifiers: MedGen C0036857, HP:0010864.
Intellectual developmental disorder, autosomal recessive 72. Also called: MENTAL RETARDATION, AUTOSOMAL RECESSIVE 72. Identifiers: MedGen C5231452, MONDO:0032860, OMIM 618665.

Submissions (3):

Neuberg Centre For Genomic Medicine, NCGM
Classification: Pathogenic for Intellectual developmental disorder, autosomal recessive 72. Last evaluated: 2023-05-20. Review status: criteria provided, single submitter. Criteria: ACMG Guidelines, 2015. Collection method: clinical testing. Allele origin: germline. Inheritance: Autosomal recessive inheritance. Affected: yes.
Comment: The observed frameshift c.344_345del(p.Arg115AsnfsTer19) variant in METTL5 gene has been reported previously in homozygous state in individuals affected with intellectual developmental disorder-72 (Richard EM, et al., 2019; Riazuddin S, et al., 2017). This variant has been reported to segregate with disease in affected individuals (Richard EM, et al., 2019). Experimental studies in transfected COS-7 and HEK293T cells showed that this variant resulted in significantly decreased levels of the protein compared to wildtype, suggesting that the variant protein was unstable and degraded by the proteosome (Richard EM, et al., 2019). The p.Arg115AsnfsTer19 variant is absent in gnomAD Exomes. This variant causes a frameshift starting with codon Arginine 115, changes this amino acid to Asparagine residue, and creates a premature Stop codon at position 19 of the new reading frame, denoted p.Arg115AsnfsTer19. This variant is predicted to cause loss of normal protein function through protein truncation. Loss of function variants have been previously reported to be disease causing. For these reasons, this variant has been classified as Pathogenic.

Laboratory of NeuroGenetics and Regenerative Medicine, University of Maryland School of Medicine
Classification: Pathogenic for Severe intellectual disability. Review status: criteria provided, single submitter. Criteria: ACMG Guidelines, 2015. Collection method: research. Allele origin: inherited. Inheritance: Autosomal recessive inheritance. Affected: yes. Observed: 3 variant alleles, 3 homozygotes.

OMIM
Classification: Pathogenic for INTELLECTUAL DEVELOPMENTAL DISORDER, AUTOSOMAL RECESSIVE 72. Last evaluated: 2019-11-22. Review status: no assertion criteria provided. Collection method: literature only. Allele origin: germline. Not counted in ClinVar's aggregate classification.

Literature cited by the submitters: PubMed 31564433 (cited by OMIM).